The following is an entry in ClinVar:

NM_001353345.2(SETD1B):c.3680C>T (p.Ser1227Leu)

Gene: SETD1B (SET domain containing 1B, histone lysine methyltransferase; plus strand). Cytogenetic location: 12q24.31.
Variant type: single nucleotide variant.
Coding change: c.3680C>T on transcript NM_001353345.2 (MANE Select); coding-DNA position 3680, C replaced by T.
Protein change: p.Ser1227Leu; replaces serine 1227 with leucine.
Molecular consequence: missense variant.
Genome position (GRCh38, 1-based): chr12:121,819,665, C>T. VCF-style: chr12-121819665-C-T. GRCh37 (hg19) VCF-style: chr12-122257571-C-T.
Other names: NM_015048.1:c.3551C>T; short protein forms S1227L.
Identifiers: ClinVar variation 2643465 (VCV002643465.26), dbSNP rs377728199, ClinGen allele CA6839103.

ClinVar aggregate classification (germline): Benign/Likely benign. Review status: criteria provided, multiple submitters, no conflicts (2 of 4 stars). 3 submissions from 3 submitters: Benign (1); Likely benign (2). Last evaluated 2024-07-18.

Conditions:
Inborn genetic diseases. Identifiers: MedGen C0950123, MeSH D030342.

Allele frequency attached by ClinVar (database versions not stated): gnomAD exomes 0.00015; ExAC 0.00050; ESP Exome Variant Server 0.00088; 1000 Genomes Project 0.00120; 1000 Genomes Project 30x 0.00141; gnomAD 0.00142; TOPMed 0.00158.
gnomAD v4.1: 437 of 1,551,362 alleles (0.028%); highest among the groups gnomAD compares: African/African-American, 0.51%; no homozygotes.

Submissions (3):

Blueprint Genetics
Classification: Likely benign. Last evaluated: 2024-07-18. Review status: criteria provided, single submitter. Criteria: ACMG Guidelines, 2015. Collection method: clinical testing. Allele origin: germline.

Ambry Genetics
Classification: Likely benign for Inborn genetic diseases. Last evaluated: 2023-10-16. Review status: criteria provided, single submitter. Criteria: Ambry Variant Classification Scheme 2023. Collection method: clinical testing. Allele origin: germline.

CeGaT Center for Human Genetics Tuebingen
Classification: Benign. Last evaluated: 2022-07-01. Review status: criteria provided, single submitter. Criteria: CeGaT Center For Human Genetics Tuebingen Variant Classification Criteria Version 2. Collection method: clinical testing. Allele origin: germline. Affected: yes. Observed: 1 variant allele.
Comment: SETD1B: BS1, BS2